The following is an entry in ClinVar:

NM_000535.7(PMS2):c.1515G>C (p.Gly505=)

Gene: PMS2 (PMS1 homolog 2, mismatch repair system component; minus strand). Cytogenetic location: 7p22.1.
Variant type: single nucleotide variant.
Coding change: c.1515G>C on transcript NM_000535.7 (MANE Select); coding-DNA position 1515, G replaced by C.
Protein change: p.Gly505=; no amino-acid change (glycine 505 retained).
Molecular consequence: synonymous variant. On other transcripts: non-coding transcript variant (1), intron variant (1).
Genome position (GRCh38, 1-based): chr7:5,987,250, C>G on the plus strand (G>C on the coding strand, the complement: PMS2 is on the minus strand). VCF-style: chr7-5987250-C-G. GRCh37 (hg19) VCF-style: chr7-6026881-C-G.
Other names: c.1110G>C, p.Gly370= (NM_001018040.1, NM_001322003.2, NM_001322004.2 and 17 more transcripts); c.1359G>C, p.Gly453= (NM_001322006.2, NM_001406870.1); c.1197G>C, p.Gly399= (NM_001322007.2, NM_001322008.2, NM_001406876.1 and 2 more transcripts); c.954G>C, p.Gly318= (NM_001322010.2, NM_001406906.1, NM_001406907.1); c.582G>C, p.Gly194= (NM_001322011.2, NM_001322012.2); c.942G>C, p.Gly314= (NM_001322013.2, NM_001406909.1); c.1515G>C, p.Gly505= (NM_001322014.2, NM_001406871.1, NM_001406872.1); c.1206G>C, p.Gly402= (NM_001322015.2, NM_001406875.1, NM_001406877.1 and 5 more transcripts); and 13 more.
Identifiers: ClinVar variation 3231979 (VCV003231979.3), dbSNP rs753856135, ClinGen allele CA453747662.

ClinVar aggregate classification (germline): Benign/Likely benign. Review status: criteria provided, multiple submitters, no conflicts (2 of 4 stars). 3 submissions from 3 submitters: Benign (1); Likely benign (2). Last evaluated 2025-12-29.

Conditions:
Hereditary cancer-predisposing syndrome. Also called: Neoplastic Syndromes, Hereditary; Tumor predisposition; Hereditary neoplastic syndrome; Hereditary Cancer Syndrome. Identifiers: Orphanet 140162, MedGen C0027672, MeSH D009386, MONDO:0015356.
Lynch syndrome 4 (LYNCH4). Also called: Colorectal cancer, hereditary nonpolyposis, type 4; Hereditary non-polyposis colorectal cancer, type 4. Identifiers: Orphanet 144, MedGen C1838333, MONDO:0013699, OMIM 614337. Disease mechanism: loss of function.
Hereditary nonpolyposis colorectal neoplasms. Identifiers: MedGen C0009405, MeSH D003123.

Submissions (3):

Labcorp Genetics (formerly Invitae), Labcorp
Classification: Likely benign for Hereditary nonpolyposis colorectal neoplasms. Last evaluated: 2025-12-29. Review status: criteria provided, single submitter. Criteria: Invitae Variant Classification Sherloc (09022015). Collection method: clinical testing. Allele origin: germline.

Myriad Genetics, Inc.
Classification: Benign for Lynch syndrome 4. Last evaluated: 2025-01-30. Review status: criteria provided, single submitter. Criteria: Myriad Autosomal Dominant, Autosomal Recessive and X-Linked Classification Criteria (2023). Collection method: clinical testing. Allele origin: unknown.
Comment: This variant is considered benign. This variant is a silent/synonymous amino acid change and it is not expected to impact splicing.

Ambry Genetics
Classification: Likely benign for Hereditary cancer-predisposing syndrome. Last evaluated: 2023-11-15. Review status: criteria provided, single submitter. Criteria: Ambry Variant Classification Scheme 2023. Collection method: clinical testing. Allele origin: germline.